The following is an entry in ClinVar:

ClinVar aggregate classification (germline): Uncertain significance (1 of 4 stars; one submission).

Conditions:
Congenital sensory neuropathy with selective loss of small myelinated fibers (HSAN5). Also called: HSAN Type V. Identifiers: Orphanet 64752, MedGen C0020075, MONDO:0012092, OMIM 608654.

Submission:

Labcorp Genetics (formerly Invitae), Labcorp
Classification: Uncertain significance for Congenital sensory neuropathy with selective loss of small myelinated fibers. Last evaluated: 2019-12-04. Review status: criteria provided, single submitter. Criteria: Invitae Variant Classification Sherloc (09022015). Collection method: clinical testing. Allele origin: germline.
Comment: Algorithms developed to predict the effect of missense changes on protein structure and function (SIFT, PolyPhen-2, Align-GVGD) all suggest that this variant is likely to be tolerated, but these predictions have not been confirmed by published functional studies and their clinical significance is uncertain. In summary, the available evidence is currently insufficient to determine the role of this variant in disease. Therefore, it has been classified as a Variant of Uncertain Significance. This variant has not been reported in the literature in individuals with NGF-related conditions. This variant is not present in population databases (ExAC no frequency). This sequence change replaces glutamic acid with aspartic acid at codon 106 of the NGF protein (p.Glu106Asp). The glutamic acid residue is weakly conserved and there is a small physicochemical difference between glutamic acid and aspartic acid.

NM_002506.3(NGF):c.318G>C (p.Glu106Asp)

Genes: NGF (nerve growth factor; minus strand), NGF-AS1 (NGF antisense RNA 1; plus strand). Cytogenetic location: 1p13.2.
Variant type: single nucleotide variant.
Coding change: c.318G>C on transcript NM_002506.3 (MANE Select); coding-DNA position 318, G replaced by C.
Protein change: p.Glu106Asp; replaces glutamic acid 106 with aspartic acid.
Molecular consequence: missense variant.
Genome position (GRCh38, 1-based): chr1:115,286,478, C>G on the plus strand (G>C on the coding strand, the complement: NGF is on the minus strand). VCF-style: chr1-115286478-C-G. GRCh37 (hg19) VCF-style: chr1-115829099-C-G.
Other names: short protein forms E106D.
Identifiers: ClinVar variation 835507 (VCV000835507.9), dbSNP rs750030065, ClinGen allele CA341836811.